The following is an entry in ClinVar:

ClinVar aggregate classification (germline): Uncertain significance (1 of 4 stars; one submission).

Allele frequency attached by ClinVar (database versions not stated): gnomAD exomes below 0.00001; ExAC 0.00001; gnomAD 0.00003; 1000 Genomes Project 30x 0.00016; 1000 Genomes Project 0.00020.

Submission:

Labcorp Genetics (formerly Invitae), Labcorp
Classification: Uncertain significance. Last evaluated: 2023-08-17. Review status: criteria provided, single submitter. Criteria: Invitae Variant Classification Sherloc (09022015). Collection method: clinical testing. Allele origin: germline.
Comment: This variant has not been reported in the literature in individuals affected with KIAA1549-related conditions. ClinVar contains an entry for this variant (Variation ID: 2118069). An algorithm developed to predict the effect of missense changes on protein structure and function (PolyPhen-2) suggests that this variant is likely to be disruptive. In summary, the available evidence is currently insufficient to determine the role of this variant in disease. Therefore, it has been classified as a Variant of Uncertain Significance. The frequency data for this variant in the population databases is considered unreliable, as metrics indicate poor data quality at this position in the gnomAD database. This sequence change replaces valine, which is neutral and non-polar, with isoleucine, which is neutral and non-polar, at codon 1482 of the KIAA1549 protein (p.Val1482Ile).

NM_001164665.2(KIAA1549):c.4444G>A (p.Val1482Ile)

Gene: KIAA1549 (KIAA1549; minus strand). Cytogenetic location: 7q34.
Variant type: single nucleotide variant.
Coding change: c.4444G>A on transcript NM_001164665.2 (MANE Select); coding-DNA position 4444, G replaced by A.
Protein change: p.Val1482Ile; replaces valine 1482 with isoleucine.
Molecular consequence: missense variant.
Genome position (GRCh38, 1-based): chr7:138,871,264, C>T on the plus strand (G>A on the coding strand, the complement: KIAA1549 is on the minus strand). VCF-style: chr7-138871264-C-T. GRCh37 (hg19) VCF-style: chr7-138556010-C-T.
Other names: c.4444G>A, p.Val1482Ile (NM_020910.3); short protein forms V1482I.
Identifiers: ClinVar variation 2118069 (VCV002118069.4), dbSNP rs566800606, ClinGen allele CA4505895.